The following is an entry in ClinVar:

NM_013275.6(ANKRD11):c.2428G>T (p.Glu810Ter)

Gene: ANKRD11 (ankyrin repeat domain 11; minus strand). Cytogenetic location: 16q24.3.
Variant type: single nucleotide variant.
Coding change: c.2428G>T on transcript NM_013275.6 (MANE Select); coding-DNA position 2428, G replaced by T.
Protein change: p.Glu810Ter; replaces glutamic acid 810 with a stop codon.
Molecular consequence: nonsense.
Genome position (GRCh38, 1-based): chr16:89,284,114, C>A on the plus strand (G>T on the coding strand, the complement: ANKRD11 is on the minus strand). VCF-style: chr16-89284114-C-A. GRCh37 (hg19) VCF-style: chr16-89350522-C-A.
Other names: c.2428G>T, p.Glu810Ter (NM_001256182.2, NM_001256183.2); short protein forms E810*.
Identifiers: ClinVar variation 4850059 (VCV004850059.1).

ClinVar aggregate classification (germline): Pathogenic (1 of 4 stars; one submission).

Conditions:
KBG syndrome (KBGS). Also called: ANKRD11-Related KBG Syndrome. Identifiers: Orphanet 2332, MedGen C0220687, MONDO:0007846, OMIM 148050.

Submission:

Variantyx, Inc.
Classification: Pathogenic for KBG syndrome. Last evaluated: 2025-03-01. Review status: criteria provided, single submitter. Criteria: Variantyx Assertion Criteria 2022. Collection method: clinical testing. Allele origin: de novo. Inheritance: Autosomal dominant inheritance. Affected: yes.
Comment: This is a nonsense variant in the ANKRD11 gene (OMIM: 611192). Pathogenic variants in this gene have been associated with autosomal dominant KBG syndrome. This variant introduces a premature termination codon in exon 9 out of 13 and is expected to result in loss of function, which is a known disease mechanism for ANKRD11 in this disorder (PMID: 21782149, 35330407, 28422132) (PVS1). This variant is absent from control populations (PM2). Inheritance from an unaffected or mildly affected parent has been reported, consistent with incomplete penetrance and variable expressivity for autosomal dominant KBG syndrome (PMID: 37665295). This variant has not been reported in individuals with ANKRD11-related disorders in the databases available for review. Based on the current evidence, this variant is classified as pathogenic for autosomal dominant KBG syndrome.

Literature cited by the submitters: PubMed 21782149; PubMed 35330407; PubMed 28422132.